The following is an entry in ClinVar:

ClinVar aggregate classification (germline): Uncertain significance (1 of 4 stars; one submission).

Conditions:
Hyperaldosteronism, familial, type IV (HALD4). Also called: FH IV; ALDOSTERONISM, PRIMARY, AND HYPERTENSION. Identifiers: Orphanet 642671, MedGen C4310756, MONDO:0014875, OMIM 617027.
Idiopathic generalized epilepsy. Also called: EIG; Generalised epilepsy. Identifiers: MedGen C0270850, MONDO:0005579, OMIM 600669.

gnomAD v4.1: 1 of 1,613,560 alleles (0.000062%); highest among the groups gnomAD compares: East Asian, 0.0022%; no homozygotes.

Submission:

Labcorp Genetics (formerly Invitae), Labcorp
Classification: Uncertain significance for Idiopathic generalized epilepsy; Hyperaldosteronism, familial, type IV. Last evaluated: 2024-03-24. Review status: criteria provided, single submitter. Criteria: Invitae Variant Classification Sherloc (09022015). Collection method: clinical testing. Allele origin: germline.
Comment: This sequence change affects codon 1536 of the CACNA1H mRNA. It is a 'silent' change, meaning that it does not change the encoded amino acid sequence of the CACNA1H protein. This variant is not present in population databases (gnomAD no frequency). This variant has not been reported in the literature in individuals affected with CACNA1H-related conditions. Algorithms developed to predict the effect of sequence changes on RNA splicing suggest that this variant may create or strengthen a splice site. In summary, the available evidence is currently insufficient to determine the role of this variant in disease. Therefore, it has been classified as a Variant of Uncertain Significance.

NM_021098.3(CACNA1H):c.4608C>A (p.Ile1536=)

Gene: CACNA1H (calcium voltage-gated channel subunit alpha1 H; plus strand). Cytogenetic location: 16p13.3.
Variant type: single nucleotide variant.
Coding change: c.4608C>A on transcript NM_021098.3 (MANE Select); coding-DNA position 4608, C replaced by A.
Protein change: p.Ile1536=; no amino-acid change (isoleucine 1536 retained).
Molecular consequence: synonymous variant.
Genome position (GRCh38, 1-based): chr16:1,211,987, C>A. VCF-style: chr16-1211987-C-A. GRCh37 (hg19) VCF-style: chr16-1261987-C-A.
Other names: c.4608C>A, p.Ile1536= (NM_001005407.2).
Identifiers: ClinVar variation 3755492 (VCV003755492.2).
Genomic context (GRCh38, chr16:1,211,987, plus strand): 5'-CACCGCCTCTGTGCCACAGCCTGTGCAGAACCACAACCCCTGGATGCTGCTGTACTTCAT[C>A]TCCTTCCTGCTCATCGTCAGCTTCTTCGTGCTCAACATGTTCGTGGGCGTCGTGGTCGAG-3'
Protein context (NP_066921.2, residues 1526-1546): NHNPWMLLYF[Ile1536=]SFLLIVSFFV